The following is an entry in ClinVar:

NM_018163.3(DNAJC17):c.277del (p.Arg93fs)

Gene: DNAJC17 (DnaJ heat shock protein family (Hsp40) member C17; minus strand). Cytogenetic location: 15q15.1.
Variant type: Deletion.
Coding change: c.277del on transcript NM_018163.3 (MANE Select); coding-DNA position 277, one base deleted (A; older notation c.277delA).
Protein change: p.Arg93fs; shifts the reading frame from arginine 93.
Molecular consequence: frameshift variant.
Genome position (GRCh38, 1-based): chr15:40,779,241, T deleted on the plus strand (A on the coding strand, the reverse complement: DNAJC17 is on the minus strand); the first of 4 consecutive T bases (chr15:40,779,241-40,779,244); deleting any one gives the same sequence. VCF-style (leftmost placement, unchanged base first): chr15-40779240-CT-C. GRCh37 (hg19) VCF-style: chr15-41071438-CT-C.
Other names: short protein forms R93fs.
Identifiers: ClinVar variation 2815934 (VCV002815934.3), dbSNP rs2504666348, ClinGen allele CA2739279830.

ClinVar aggregate classification (germline): Uncertain significance (1 of 4 stars; one submission).

Submission:

Labcorp Genetics (formerly Invitae), Labcorp
Classification: Uncertain significance. Last evaluated: 2022-11-23. Review status: criteria provided, single submitter. Criteria: Invitae Variant Classification Sherloc (09022015). Collection method: clinical testing. Allele origin: germline.
Comment: This sequence change creates a premature translational stop signal (p.Arg93Glyfs*4) in the DNAJC17 gene. It is expected to result in an absent or disrupted protein product. However, the current clinical and genetic evidence is not sufficient to establish whether loss-of-function variants in DNAJC17 cause disease. This variant is not present in population databases (gnomAD no frequency). This variant has not been reported in the literature in individuals affected with DNAJC17-related conditions. In summary, the available evidence is currently insufficient to determine the role of this variant in disease. Therefore, it has been classified as a Variant of Uncertain Significance.